The following is an entry in ClinVar:

ClinVar aggregate classification (germline): Uncertain significance (1 of 4 stars; one submission).

Conditions:
Exostoses, multiple, type 2 (EXT2). Also called: Hereditary Multiple Osteochondromatosis, Type II; EXOSTOSES, MULTIPLE, TYPE II. Identifiers: Orphanet 321, MedGen C1851413, MONDO:0007586, OMIM 133701.

Submission:

Labcorp Genetics (formerly Invitae), Labcorp
Classification: Uncertain significance for Exostoses, multiple, type 2. Last evaluated: 2022-10-04. Review status: criteria provided, single submitter. Criteria: Invitae Variant Classification Sherloc (09022015). Collection method: clinical testing. Allele origin: germline.
Comment: In summary, the available evidence is currently insufficient to determine the role of this variant in disease. Therefore, it has been classified as a Variant of Uncertain Significance. Advanced modeling of protein sequence and biophysical properties (such as structural, functional, and spatial information, amino acid conservation, physicochemical variation, residue mobility, and thermodynamic stability) performed at Invitae indicates that this missense variant is expected to disrupt EXT2 protein function. This variant has not been reported in the literature in individuals affected with EXT2-related conditions. This variant is not present in population databases (gnomAD no frequency). This sequence change replaces proline, which is neutral and non-polar, with leucine, which is neutral and non-polar, at codon 688 of the EXT2 protein (p.Pro688Leu).

NM_207122.2(EXT2):c.2063C>T (p.Pro688Leu)

Gene: EXT2 (exostosin glycosyltransferase 2; plus strand). Cytogenetic location: 11p11.2.
Variant type: single nucleotide variant.
Coding change: c.2063C>T on transcript NM_207122.2 (MANE Select); coding-DNA position 2063, C replaced by T.
Protein change: p.Pro688Leu; replaces proline 688 with leucine.
Molecular consequence: missense variant.
Genome position (GRCh38, 1-based): chr11:44,244,193, C>T. VCF-style: chr11-44244193-C-T. GRCh37 (hg19) VCF-style: chr11-44265743-C-T.
Other names: c.2162C>T, p.Pro721Leu (NM_000401.3); c.2093C>T, p.Pro698Leu (NM_001178083.3); c.2063C>T, p.Pro688Leu (NM_001389628.1, NM_001389630.1); short protein forms P721L, P688L, P698L.
Identifiers: ClinVar variation 2077627 (VCV002077627.4), dbSNP rs2539803437, ClinGen allele CA380178537.